The following is an entry in ClinVar:

NM_004304.5(ALK):c.2498G>A (p.Gly833Glu)

Gene: ALK (ALK receptor tyrosine kinase; minus strand). Cytogenetic location: 2p23.2.
Variant type: single nucleotide variant.
Coding change: c.2498G>A on transcript NM_004304.5 (MANE Select); coding-DNA position 2498, G replaced by A.
Protein change: p.Gly833Glu; replaces glycine 833 with glutamic acid.
Molecular consequence: missense variant.
Genome position (GRCh38, 1-based): chr2:29,232,438, C>T on the plus strand (G>A on the coding strand, the complement: ALK is on the minus strand). VCF-style: chr2-29232438-C-T. GRCh37 (hg19) VCF-style: chr2-29455304-C-T.
Other names: short protein forms G833E.
Identifiers: ClinVar variation 656360 (VCV000656360.11), dbSNP rs1573139708, ClinGen allele CA346472041.
Genomic context (GRCh38, chr2:29,232,438, plus strand): 5'-GTCTTGGCCCCGTAGGCCCTGCCACCACCTCCGGCTGCAATGATCAGGGGCACCGGCACT[C>T]CATCCTTCATCTGACCAGGGGAGACATTCAGACATTGAGAAACCGAGCTGTGCTTCCCCC-3'
Protein context (NP_004295.2, residues 823-843): GATYVFKMKD[Gly833Glu]VPVPLIIAAG

ClinVar aggregate classification (germline): Uncertain significance. Review status: criteria provided, multiple submitters, no conflicts (2 of 4 stars). 3 submissions from 3 submitters: Uncertain significance (3). Last evaluated 2025-04-23.

Conditions:
Hereditary cancer-predisposing syndrome. Also called: Neoplastic Syndromes, Hereditary; Hereditary neoplastic syndrome; Hereditary Cancer Syndrome; Tumor predisposition. Identifiers: Orphanet 140162, MedGen C0027672, MeSH D009386, MONDO:0015356.
Neuroblastoma, susceptibility to, 3. Also called: ALK-Related Neuroblastic Tumor Susceptibility. Identifiers: Orphanet 635, MedGen C2751681, MONDO:0013083, OMIM 613014.

Allele frequency attached by ClinVar (database versions not stated): TOPMed below 0.00001.

Submissions (3):

Labcorp Genetics (formerly Invitae), Labcorp
Classification: Uncertain significance for Neuroblastoma, susceptibility to, 3. Last evaluated: 2025-04-23. Review status: criteria provided, single submitter. Criteria: Invitae Variant Classification Sherloc (09022015). Collection method: clinical testing. Allele origin: germline.
Comment: This sequence change replaces glycine, which is neutral and non-polar, with glutamic acid, which is acidic and polar, at codon 833 of the ALK protein (p.Gly833Glu). This variant is not present in population databases (gnomAD no frequency). This variant has not been reported in the literature in individuals affected with ALK-related conditions. ClinVar contains an entry for this variant (Variation ID: 656360). An algorithm developed to predict the effect of missense changes on protein structure and function (PolyPhen-2) suggests that this variant is likely to be disruptive. In summary, the available evidence is currently insufficient to determine the role of this variant in disease. Therefore, it has been classified as a Variant of Uncertain Significance.

Ambry Genetics
Classification: Uncertain significance for Hereditary cancer-predisposing syndrome. Last evaluated: 2024-04-25. Review status: criteria provided, single submitter. Criteria: Ambry Variant Classification Scheme 2023. Collection method: clinical testing. Allele origin: germline.
Comment: The p.G833E variant (also known as c.2498G>A), located in coding exon 15 of the ALK gene, results from a G to A substitution at nucleotide position 2498. The glycine at codon 833 is replaced by glutamic acid, an amino acid with similar properties. This amino acid position is conserved. In addition, the in silico prediction for this alteration is inconclusive. Since supporting evidence is limited at this time, the clinical significance of this alteration remains unclear.

GeneDx
Classification: Uncertain significance. Last evaluated: 2024-02-12. Review status: criteria provided, single submitter. Criteria: GeneDx Variant Classification Process June 2021. Collection method: clinical testing. Allele origin: germline. Affected: yes.
Comment: Not observed at significant frequency in large population cohorts (gnomAD); In silico analysis supports that this missense variant has a deleterious effect on protein structure/function; Has not been previously published as pathogenic or benign to our knowledge